The following is an entry in ClinVar:

ClinVar aggregate classification (germline): Pathogenic (1 of 4 stars; one submission).

Conditions:
Cardiovascular phenotype. Identifiers: MedGen CN230736.
Hereditary cancer-predisposing syndrome. Also called: Hereditary Cancer Syndrome; Hereditary neoplastic syndrome; Neoplastic Syndromes, Hereditary; Tumor predisposition. Identifiers: Orphanet 140162, MedGen C0027672, MeSH D009386, MONDO:0015356.

Submission:

Ambry Genetics
Classification: Pathogenic for Cardiovascular phenotype; Hereditary cancer-predisposing syndrome. Last evaluated: 2024-12-13. Review status: criteria provided, single submitter. Criteria: Ambry Variant Classification Scheme 2023. Collection method: clinical testing. Allele origin: germline.
Comment: The c.5645delA pathogenic mutation, located in coding exon 38 of the NF1 gene, results from a deletion of one nucleotide at nucleotide position 5645, causing a translational frameshift with a predicted alternate stop codon (p.N1882Tfs*22). This alteration is expected to result in loss of function by premature protein truncation or nonsense-mediated mRNA decay. As such, this alteration is interpreted as a disease-causing mutation.

NM_001042492.3(NF1):c.5708del (p.Asn1903fs)

Gene: NF1 (neurofibromin 1; plus strand). Cytogenetic location: 17q11.2.
Variant type: Deletion.
Coding change: c.5708del on transcript NM_001042492.3 (MANE Select); coding-DNA position 5708, one base deleted (A; older notation c.5708delA).
Protein change: p.Asn1903fs; shifts the reading frame from asparagine 1903.
Molecular consequence: frameshift variant.
Genome position (GRCh38, 1-based): chr17:31,330,394, A deleted; the last of 2 consecutive A bases (chr17:31,330,393-31,330,394); deleting either gives the same sequence. VCF-style (leftmost placement, unchanged base first): chr17-31330392-CA-C. GRCh37 (hg19) VCF-style: chr17-29657410-CA-C.
Other names: c.5645delA (NM_000267.3); c.5645delA, p.Asn1882Thrfs (NM_000267.4); short protein forms N1882fs, N1903fs.
Identifiers: ClinVar variation 1748811 (VCV001748811.3), dbSNP rs2508718571, ClinGen allele CA2580093379.